The following is an entry in ClinVar:

NM_001267550.2(TTN):c.41609-3T>C

Gene: TTN (titin; minus strand). Cytogenetic location: 2q31.2.
Variant type: single nucleotide variant.
Coding change: c.41609-3T>C on transcript NM_001267550.2 (MANE Select); 3 bases into the intron before coding-DNA position 41609, T replaced by C.
Molecular consequence: intron variant.
Genome position (GRCh38, 1-based): chr2:178,635,718, A>G on the plus strand (T>C on the coding strand, the complement: TTN is on the minus strand). VCF-style: chr2-178635718-A-G. GRCh37 (hg19) VCF-style: chr2-179500445-A-G.
Other names: c.14414-3T>C (NM_003319.4); c.14990-3T>C (NM_133437.4); c.14789-3T>C (NM_133432.3); c.33905-3T>C (NM_133378.4); c.36686-3T>C (NM_001256850.1).
Identifiers: ClinVar variation 4080923 (VCV004080923.2).

ClinVar aggregate classification (germline): Uncertain significance. Review status: criteria provided, multiple submitters, no conflicts (2 of 4 stars). 2 submissions from 2 submitters: Uncertain significance (2). Last evaluated 2025-06-25.

Conditions:
Cardiovascular phenotype. Identifiers: MedGen CN230736.

gnomAD v4.1: 2 of 1,589,770 alleles (0.00013%); highest among the groups gnomAD compares: South Asian, 0.0012%; no homozygotes.

Submissions (2):

Ambry Genetics
Classification: Uncertain significance for Cardiovascular phenotype. Last evaluated: 2025-06-25. Review status: criteria provided, single submitter. Criteria: Ambry Variant Classification Scheme 2023. Collection method: clinical testing. Allele origin: germline.
Comment: The c.14414-3T>C intronic variant results from a T to C substitution 3 nucleotides upstream from coding exon 54 in the TTN gene. This nucleotide position is poorly conserved in available vertebrate species. In silico splice site analysis predicts that this alteration will not have any significant effect on splicing. Based on the available evidence, the clinical significance of this variant remains unclear.

Revvity Omics, Revvity
Classification: Uncertain significance. Last evaluated: 2024-09-22. Review status: criteria provided, single submitter. Criteria: ACMG Guidelines, 2015. Collection method: clinical testing. Allele origin: germline.